The following is an entry in ClinVar:

ClinVar aggregate classification (germline): Benign (1 of 4 stars; one submission).

Submission:

GeneDx
Classification: Benign. Last evaluated: 2018-06-14. Review status: criteria provided, single submitter. Criteria: GeneDx Variant Classification (06012015). Collection method: clinical testing. Allele origin: germline. Affected: yes.
Comment: This variant is considered likely benign or benign based on one or more of the following criteria: it is a conservative change, it occurs at a poorly conserved position in the protein, it is predicted to be benign by multiple in silico algorithms, and/or has population frequency not consistent with disease.

NM_000231.3(SGCG):c.298-248del

Gene: SGCG (sarcoglycan gamma; plus strand). Cytogenetic location: 13q12.12.
Variant type: Deletion.
Coding change: c.298-248del on transcript NM_000231.3 (MANE Select); 248 bases into the intron before coding-DNA position 298, one base deleted (T; older notation c.298-248delT).
Molecular consequence: intron variant.
Genome position (GRCh38, 1-based): chr13:23,250,382, T deleted; the last of 7 consecutive T bases (chr13:23,250,376-23,250,382); deleting any one gives the same sequence. VCF-style (leftmost placement, unchanged base first): chr13-23250375-AT-A. GRCh37 (hg19) VCF-style: chr13-23824514-AT-A.
Other names: c.352-248del (NM_001378244.1); c.298-248del (NM_001378245.1, NM_001378246.1).
Identifiers: ClinVar variation 672504 (VCV000672504.1), dbSNP rs79337752, ClinGen allele CA246628270.